The following is an entry in ClinVar:

ClinVar aggregate classification (germline): Uncertain significance. Review status: criteria provided, multiple submitters, no conflicts (2 of 4 stars). 2 submissions from 2 submitters: Uncertain significance (2). Last evaluated 2022-04-22.

Allele frequency attached by ClinVar (database versions not stated): gnomAD exomes 0.00002 and 0.00005; ExAC 0.00007; gnomAD 0.00016 and 0.00019; TOPMed 0.00021.
gnomAD v4.1: 58 of 1,550,370 alleles (0.0037%); highest among the groups gnomAD compares: African/African-American, 0.067%; no homozygotes.

Submissions (2):

GeneDx
Classification: Uncertain significance. Last evaluated: 2022-04-22. Review status: criteria provided, single submitter. Criteria: GeneDx Variant Classification Process June 2021. Collection method: clinical testing. Allele origin: germline. Affected: yes.
Comment: In silico analysis supports that this missense variant has a deleterious effect on protein structure/function; Has not been previously published as pathogenic or benign to our knowledge

Blueprint Genetics
Classification: Uncertain significance. Last evaluated: 2021-11-09. Review status: criteria provided, single submitter. Criteria: ACMG Guidelines, 2015. Collection method: clinical testing. Allele origin: germline.

NM_001292063.2(OTOG):c.310A>G (p.Asn104Asp)

Gene: OTOG (otogelin; plus strand). Cytogenetic location: 11p15.1.
Variant type: single nucleotide variant.
Coding change: c.310A>G on transcript NM_001292063.2 (MANE Select); coding-DNA position 310, A replaced by G.
Protein change: p.Asn104Asp; replaces asparagine 104 with aspartic acid.
Molecular consequence: missense variant.
Genome position (GRCh38, 1-based): chr11:17,553,136, A>G. VCF-style: chr11-17553136-A-G. GRCh37 (hg19) VCF-style: chr11-17574683-A-G.
Other names: c.346A>G, p.Asn116Asp (NM_001277269.2); short protein forms N104D, N116D.
Identifiers: ClinVar variation 1678833 (VCV001678833.3), dbSNP rs750971564, ClinGen allele CA5905335.